The following is an entry in ClinVar:

NM_001098511.3(KIF2A):c.655A>G (p.Ile219Val)

Gene: KIF2A (kinesin family member 2A; plus strand). Cytogenetic location: 5q12.1.
Variant type: single nucleotide variant.
Coding change: c.655A>G on transcript NM_001098511.3 (MANE Select); coding-DNA position 655, A replaced by G.
Protein change: p.Ile219Val; replaces isoleucine 219 with valine.
Molecular consequence: missense variant.
Genome position (GRCh38, 1-based): chr5:62,357,691, A>G. VCF-style: chr5-62357691-A-G. GRCh37 (hg19) VCF-style: chr5-61653518-A-G.
Other names: c.574A>G, p.Ile192Val (NM_001243952.2); c.598A>G, p.Ile200Val (NM_001243953.2); c.655A>G, p.Ile219Val (NM_004520.5); short protein forms I192V, I219V, I200V.
Identifiers: ClinVar variation 3721519 (VCV003721519.2).

ClinVar aggregate classification (germline): Uncertain significance (1 of 4 stars; one submission).

Submission:

Labcorp Genetics (formerly Invitae), Labcorp
Classification: Uncertain significance. Last evaluated: 2024-09-25. Review status: criteria provided, single submitter. Criteria: Invitae Variant Classification Sherloc (09022015). Collection method: clinical testing. Allele origin: germline.
Comment: This sequence change replaces isoleucine, which is neutral and non-polar, with valine, which is neutral and non-polar, at codon 219 of the KIF2A protein (p.Ile219Val). This variant is not present in population databases (gnomAD no frequency). This variant has not been reported in the literature in individuals affected with KIF2A-related conditions. An algorithm developed to predict the effect of missense changes on protein structure and function (PolyPhen-2) suggests that this variant is likely to be tolerated. In summary, the available evidence is currently insufficient to determine the role of this variant in disease. Therefore, it has been classified as a Variant of Uncertain Significance.